The following is an entry in ClinVar:

ClinVar aggregate classification (germline): Likely pathogenic. Review status: criteria provided, multiple submitters, no conflicts (2 of 4 stars). 2 submissions from 2 submitters: Likely pathogenic (2). Last evaluated 2024-06-24.

Conditions:
Deficiency of alpha-mannosidase (MANSA). Also called: Mannosidosis, alpha-, types I and II; LYSOSOMAL ALPHA-D-MANNOSIDASE DEFICIENCY; Alpha-Mannosidosis. Identifiers: Orphanet 61, MedGen C0024748, MONDO:0009561, OMIM 248500.

Submissions (2):

Natera, Inc.
Classification: Likely pathogenic for Alpha-mannosidosis. Last evaluated: 2024-06-24. Review status: criteria provided, single submitter. Criteria: Natera Variant Classification Schema (03/2026). Collection method: clinical testing. Allele origin: germline.
Comment: The c.1527+1G>A variant in MAN2B1 is a canonical splice donor site variant predicted to affect pre-mRNA splicing, which may result in an abnormal transcript and altered protein product. This variant may result in a truncated or dysfunctional protein product. This variant is rare in the general population with a frequency below the threshold expected for the associated phenotype(s). Another variant at this same site results in an alteration predicted to cause a similar molecular effect has been observed in individual(s) with the associated phenotype. Given the available evidence, this variant is classified as Likely Pathogenic.

Baylor Genetics
Classification: Likely pathogenic for Deficiency of alpha-mannosidase. Last evaluated: 2022-08-08. Review status: criteria provided, single submitter. Criteria: ACMG Guidelines, 2015. Collection method: clinical testing. Allele origin: unknown.

NM_000528.4(MAN2B1):c.1527+1G>A

Gene: MAN2B1 (mannosidase alpha class 2B member 1; minus strand). Cytogenetic location: 19p13.13.
Variant type: single nucleotide variant.
Coding change: c.1527+1G>A on transcript NM_000528.4 (MANE Select); the canonical splice donor site of the intron after coding-DNA position 1527, G replaced by A.
Molecular consequence: splice donor variant.
Genome position (GRCh38, 1-based): chr19:12,656,948, C>T on the plus strand (G>A on the coding strand, the complement: MAN2B1 is on the minus strand). VCF-style: chr19-12656948-C-T. GRCh37 (hg19) VCF-style: chr19-12767762-C-T.
Other names: c.1524+1G>A (NM_001173498.2); c.1527+1G>A (NM_000528.3).
Identifiers: ClinVar variation 2676440 (VCV002676440.2), dbSNP rs1322313985, ClinGen allele CA404246057.